The following is an entry in ClinVar:

ClinVar aggregate classification (germline): Uncertain significance (1 of 4 stars; one submission).

Submission:

Ambry Genetics
Classification: Uncertain significance. Last evaluated: 2023-11-30. Review status: criteria provided, single submitter. Criteria: Ambry Variant Classification Scheme 2023. Collection method: clinical testing. Allele origin: germline.
Comment: The p.L352P variant (also known as c.1055T>C), located in coding exon 11 of the NEBL gene, results from a T to C substitution at nucleotide position 1055. The leucine at codon 352 is replaced by proline, an amino acid with similar properties. This amino acid position is conserved. In addition, the in silico prediction for this alteration is inconclusive. Since supporting evidence is limited at this time, the clinical significance of this alteration remains unclear.

NM_006393.3(NEBL):c.1055T>C (p.Leu352Pro)

Gene: NEBL (nebulette; minus strand). Cytogenetic location: 10p12.31.
Variant type: single nucleotide variant.
Coding change: c.1055T>C on transcript NM_006393.3 (MANE Select); coding-DNA position 1055, T replaced by C.
Protein change: p.Leu352Pro; replaces leucine 352 with proline.
Molecular consequence: missense variant. On other transcripts: intron variant (9).
Genome position (GRCh38, 1-based): chr10:20,850,456, A>G on the plus strand (T>C on the coding strand, the complement: NEBL is on the minus strand). VCF-style: chr10-20850456-A-G. GRCh37 (hg19) VCF-style: chr10-21139385-A-G.
Other names: c.250-37516T>C (NM_001377326.1, NM_001377327.1, NM_001377328.1); c.358-37516T>C (NM_213569.2, NM_001173484.2, NM_001377322.1); c.301-37516T>C (NM_001377324.1); c.292-37516T>C (NM_001377325.1); c.310-37516T>C (NM_001377323.1); short protein forms L352P.
Identifiers: ClinVar variation 3225549 (VCV003225549.1), dbSNP rs2491980896, ClinGen allele CA376099913.